The following is an entry in ClinVar:

ClinVar aggregate classification (germline): Uncertain significance (1 of 4 stars; one submission).

Submission:

GeneDx
Classification: Uncertain significance. Last evaluated: 2023-03-07. Review status: criteria provided, single submitter. Criteria: GeneDx Variant Classification Process June 2021. Collection method: clinical testing. Allele origin: germline. Affected: yes.
Comment: Not observed at significant frequency in large population cohorts (gnomAD); In silico analysis supports that this missense variant has a deleterious effect on protein structure/function; Has not been previously published as pathogenic or benign to our knowledge

NM_005861.4(STUB1):c.752C>A (p.Thr251Asn)

Genes: JMJD8 (jumonji domain containing 8; minus strand), STUB1 (STIP1 homology and U-box containing protein 1; plus strand). Cytogenetic location: 16p13.3.
Variant type: single nucleotide variant.
Coding change: c.752C>A on transcript NM_005861.4 (MANE Select); coding-DNA position 752, C replaced by A.
Protein change: p.Thr251Asn; replaces threonine 251 with asparagine.
Molecular consequence: missense variant. On other transcripts: 3 prime UTR variant (5), non-coding transcript variant (3).
Genome position (GRCh38, 1-based): chr16:682,247, C>A. VCF-style: chr16-682247-C-A. GRCh37 (hg19) VCF-style: chr16-732247-C-A.
Other names: c.536C>A, p.Thr179Asn (NM_001293197.2); c.*547G>T (NM_001005920.4, NM_001323919.3, NM_001323920.3); c.*581G>T (NM_001323918.3, NM_001323922.3); short protein forms T179N, T251N.
Identifiers: ClinVar variation 2579395 (VCV002579395.1), dbSNP rs2543815299, ClinGen allele CA394114263.